The following is an entry in ClinVar:

ClinVar aggregate classification (germline): Uncertain significance (1 of 4 stars; one submission).

Conditions:
Cardiovascular phenotype. Identifiers: MedGen CN230736.

Allele frequency attached by ClinVar (database versions not stated): TOPMed below 0.00001; ExAC 0.00001; gnomAD 0.00001.
gnomAD v4.1: 14 of 1,611,814 alleles (0.00087%); highest among the groups gnomAD compares: Admixed American, 0.0017%; no homozygotes.

Submission:

Ambry Genetics
Classification: Uncertain significance for Cardiovascular phenotype. Last evaluated: 2021-09-01. Review status: criteria provided, single submitter. Criteria: Ambry Variant Classification Scheme 2023. Collection method: clinical testing. Allele origin: germline.
Comment: The p.R2173* variant (also known as c.6517C>T), located in coding exon 28 of the AKAP9 gene, results from a C to T substitution at nucleotide position 6517. This changes the amino acid from an arginine to a stop codon within coding exon 28. This alteration is expected to result in premature protein truncation or nonsense-mediated mRNA decay. However, loss of function of AKAP9 has not been clearly established as a mechanism of disease. Since supporting evidence is limited at this time, the clinical significance of this alteration remains unclear.

NM_005751.5(AKAP9):c.6517C>T (p.Arg2173Ter)

Gene: AKAP9 (A-kinase anchoring protein 9; plus strand). Cytogenetic location: 7q21.2.
Variant type: single nucleotide variant.
Coding change: c.6517C>T on transcript NM_005751.5 (MANE Select); coding-DNA position 6517, C replaced by T.
Protein change: p.Arg2173Ter; replaces arginine 2173 with a stop codon.
Molecular consequence: nonsense.
Genome position (GRCh38, 1-based): chr7:92,070,914, C>T. VCF-style: chr7-92070914-C-T. GRCh37 (hg19) VCF-style: chr7-91700228-C-T.
Other names: c.1162C>T, p.Arg388Ter (NM_001379277.1); c.6493C>T, p.Arg2165Ter (NM_147185.3); short protein forms R2165*, R2173*, R388*.
Identifiers: ClinVar variation 1753985 (VCV001753985.2), dbSNP rs773455040, ClinGen allele CA4337107.
Genomic context (GRCh38, chr7:92,070,914, plus strand): 5'-TAATCAGGATTTAATTTATCAAATTTTGAGAAAATTTTTATATATTTAAAGGTAGAGGAC[C>T]GAAAACACTTTGGAGCTGTAGAAGCTAAACCAGAATTGTCCCTAGAAGTACAATTGCAGG-3'